The following is an entry in ClinVar:

ClinVar aggregate classification (germline): Likely benign. Review status: criteria provided, multiple submitters, no conflicts (2 of 4 stars). 2 submissions from 2 submitters: Likely benign (2). Last evaluated 2025-08-19.

Conditions:
3-methylglutaconic aciduria, type VIIB (MGCA7B). Also called: 3-methylglutaconic aciduria, type VII, with cataracts, neurologic involvement and neutropenia; 3-methylglutaconic aciduria with cataracts, neurologic involvement and neutropenia; CLPB Deficiency. Identifiers: Orphanet 445038, MedGen C5676893, MONDO:0014561, OMIM 616271.

Allele frequency attached by ClinVar (database versions not stated): gnomAD exomes 0.00003; gnomAD 0.00001; ExAC 0.00002; TOPMed 0.00002.
gnomAD v4.1: 43 of 1,613,496 alleles (0.0027%); highest among the groups gnomAD compares: Admixed American, 0.0033%; no homozygotes.

Submissions (2):

Labcorp Genetics (formerly Invitae), Labcorp
Classification: Likely benign for 3-methylglutaconic aciduria, type VIIB. Last evaluated: 2025-08-19. Review status: criteria provided, single submitter. Criteria: Invitae Variant Classification Sherloc (09022015). Collection method: clinical testing. Allele origin: germline.

CeGaT Center for Human Genetics Tuebingen
Classification: Likely benign. Last evaluated: 2022-12-01. Review status: criteria provided, single submitter. Criteria: CeGaT Center For Human Genetics Tuebingen Variant Classification Criteria Version 2. Collection method: clinical testing. Allele origin: germline. Affected: yes. Observed: 1 variant allele.
Comment: CLPB: BP4, BP7

NM_030813.6(CLPB):c.729C>T (p.Pro243=)

Gene: CLPB (ClpB family mitochondrial disaggregase; minus strand). Cytogenetic location: 11q13.4.
Variant type: single nucleotide variant.
Coding change: c.729C>T on transcript NM_030813.6 (MANE Plus Clinical); coding-DNA position 729, C replaced by T.
Protein change: p.Pro243=; no amino-acid change (proline 243 retained).
Molecular consequence: synonymous variant. On other transcripts: intron variant (2).
Genome position (GRCh38, 1-based): chr11:72,372,932, G>A on the plus strand (C>T on the coding strand, the complement: CLPB is on the minus strand). VCF-style: chr11-72372932-G-A. GRCh37 (hg19) VCF-style: chr11-72083976-G-A.
Other names: c.594C>T, p.Pro198= (NM_001258394.3); c.559+7349C>T (NM_001258393.3); c.646+7349C>T (NM_001258392.3).
Identifiers: ClinVar variation 1985462 (VCV001985462.28), dbSNP rs757266658, ClinGen allele CA6171467.
Genomic context (GRCh38, chr11:72,372,932, plus strand): 5'-CCTTGGCATGTCCTGGGGAGGGGGAGAAATATTATACAGAGCAGTTCCATTACCGCCAGC[G>A]GGGAGTCCTAGCCATCTCCTGAACTCCAGGGCACTTGTCCACTGGTTTGTGATGTGCCGG-3'
Protein context (NP_110440.1, residues 233-253): ALEFRRWLGL[Pro243=]AGVLITREDD